The following is an entry in ClinVar:

ClinVar aggregate classification (germline): Likely benign (1 of 4 stars; one submission).

Conditions:
Glucocorticoid deficiency 2 (GCCD2). Also called: FAMILIAL GLUCOCORTICOID DEFICIENCY 2. Identifiers: Orphanet 361, MedGen C4049714, MONDO:0011826, OMIM 607398.

Allele frequency attached by ClinVar (database versions not stated): TOPMed 0.00003; 1000 Genomes Project 30x 0.00219; gnomAD 0.00004 and 0.00036; 1000 Genomes Project 0.00160.

Submission:

Illumina Laboratory Services, Illumina
Classification: Likely benign for Glucocorticoid deficiency 2. Last evaluated: 2018-01-12. Review status: criteria provided, single submitter. Criteria: ICSL Variant Classification Criteria 13 December 2019. Collection method: clinical testing. Allele origin: germline.
Comment: This variant was observed in the ICSL laboratory as part of a predisposition screen in an ostensibly healthy population. It had not been previously curated by ICSL or reported in the Human Gene Mutation Database (HGMD: prior to June 1st, 2018), and was therefore a candidate for classification through an automated scoring system. Utilizing variant allele frequency, disease prevalence and penetrance estimates, and inheritance mode, an automated score was calculated to assess if this variant is too frequent to cause the disease. Based on the score and internal cut-off values, a variant classified as likely benign is not then subjected to further curation. The score for this variant resulted in a classification of likely benign for this disease.

NM_178817.4(MRAP):c.-91C>T

Gene: MRAP (melanocortin 2 receptor accessory protein; plus strand). Cytogenetic location: 21q22.11.
Variant type: single nucleotide variant.
Coding change: c.-91C>T on transcript NM_178817.4; 91 bases upstream of the start codon, C replaced by T.
Molecular consequence: 5 prime UTR variant.
Genome position (GRCh38, 1-based): chr21:32,293,052, C>T. VCF-style: chr21-32293052-C-T. GRCh37 (hg19) VCF-style: chr21-33665363-C-T.
Other names: c.-152C>T (NM_001285394.2); c.-91C>T (NM_206898.2).
Identifiers: ClinVar variation 895069 (VCV000895069.6), dbSNP rs565439357, ClinGen allele CA319391607.
Genomic context (GRCh38, chr21:32,293,052, plus strand): 5'-GGGACTTTGCAGATGTGATTAAGGATTGTGAGATGGAAAAATTATCCTTGATTACCTGCA[C>T]GGACCCAGTATAATCACAACTGTCCTTATAAGAAGAGGAGCTTTGGAAGAAGAGAGAGTT-3'